The following is an entry in ClinVar:

NM_018136.5(ASPM):c.7999C>T (p.Gln2667Ter)

Gene: ASPM (assembly factor for spindle microtubules; minus strand). Cytogenetic location: 1q31.3.
Variant type: single nucleotide variant.
Coding change: c.7999C>T on transcript NM_018136.5 (MANE Select); coding-DNA position 7999, C replaced by T.
Protein change: p.Gln2667Ter; replaces glutamine 2667 with a stop codon.
Molecular consequence: nonsense. On other transcripts: intron variant (1).
Genome position (GRCh38, 1-based): chr1:197,101,252, G>A on the plus strand (C>T on the coding strand, the complement: ASPM is on the minus strand). VCF-style: chr1-197101252-G-A. GRCh37 (hg19) VCF-style: chr1-197070382-G-A.
Other names: c.4066-5088C>T (NM_001206846.2); short protein forms Q2667*.
Identifiers: ClinVar variation 4846919 (VCV004846919.1).

ClinVar aggregate classification (germline): Pathogenic (1 of 4 stars; one submission).

Conditions:
Microcephaly 5, primary, autosomal recessive (MCPH5). Also called: ASPM Primary Microcephaly. Identifiers: Orphanet 2512, MedGen C1837501, MONDO:0012106, OMIM 608716.

Submission:

Laboratorio de Genetica e Diagnostico Molecular, Hospital Israelita Albert Einstein
Classification: Pathogenic for Microcephaly 5, primary, autosomal recessive. Last evaluated: 2026-02-27. Review status: criteria provided, single submitter. Criteria: ACMG Guidelines, 2015. Collection method: clinical testing. Allele origin: germline. Affected: yes.
Comment: ACMG classification criteria: PVS1 very strong, PM2 supporting, PM3 supporting